The following is an entry in ClinVar:

NM_000057.4(BLM):c.615G>C (p.Lys205Asn)

Gene: BLM (BLM RecQ like helicase; plus strand). Cytogenetic location: 15q26.1.
Variant type: single nucleotide variant.
Coding change: c.615G>C on transcript NM_000057.4 (MANE Select); coding-DNA position 615, G replaced by C.
Protein change: p.Lys205Asn; replaces lysine 205 with asparagine.
Molecular consequence: missense variant. On other transcripts: 5 prime UTR variant (1).
Genome position (GRCh38, 1-based): chr15:90,749,883, G>C. VCF-style: chr15-90749883-G-C. GRCh37 (hg19) VCF-style: chr15-91293113-G-C.
Other names: c.615G>C, p.Lys205Asn (NM_001287246.2, NM_001287247.2); c.-677G>C (NM_001287248.2); short protein forms K205N.
Identifiers: ClinVar variation 584881 (VCV000584881.9), dbSNP rs28903082, ClinGen allele CA393841176.

ClinVar aggregate classification (germline): Uncertain significance. Review status: criteria provided, multiple submitters, no conflicts (2 of 4 stars). 3 submissions from 3 submitters: Uncertain significance (3). Last evaluated 2025-04-25.

Conditions:
Hereditary cancer-predisposing syndrome. Also called: Tumor predisposition; Neoplastic Syndromes, Hereditary; Hereditary neoplastic syndrome; Hereditary Cancer Syndrome. Identifiers: Orphanet 140162, MedGen C0027672, MeSH D009386, MONDO:0015356.
Bloom syndrome (BLM). Also called: Bloom-Torre-Machacek syndrome. Identifiers: Orphanet 125, MedGen C0005859, MONDO:0008876, OMIM 210900.

gnomAD v4.1: 1 of 1,611,530 alleles (0.000062%); highest among the groups gnomAD compares: Non-Finnish European, 0.000085%; no homozygotes.

Submissions (3):

Ambry Genetics
Classification: Uncertain significance for Hereditary cancer-predisposing syndrome. Last evaluated: 2025-04-25. Review status: criteria provided, single submitter. Criteria: Ambry Variant Classification Scheme 2023. Collection method: clinical testing. Allele origin: germline.
Comment: The p.K205N variant (also known as c.615G>C), located in coding exon 2 of the BLM gene, results from a G to C substitution at nucleotide position 615. The lysine at codon 205 is replaced by asparagine, an amino acid with similar properties. This amino acid position is conserved. In addition, this alteration is predicted to be tolerated by in silico analysis. Since supporting evidence is limited at this time, the clinical significance of this alteration remains unclear.

Labcorp Genetics (formerly Invitae), Labcorp
Classification: Uncertain significance for Bloom syndrome. Last evaluated: 2021-09-01. Review status: criteria provided, single submitter. Criteria: Invitae Variant Classification Sherloc (09022015). Collection method: clinical testing. Allele origin: germline.
Comment: This sequence change replaces lysine with asparagine at codon 205 of the BLM protein (p.Lys205Asn). The lysine residue is weakly conserved and there is a moderate physicochemical difference between lysine and asparagine. This variant is not present in population databases (ExAC no frequency). This variant has not been reported in the literature in individuals affected with BLM-related conditions. ClinVar contains an entry for this variant (Variation ID: 584881). Algorithms developed to predict the effect of missense changes on protein structure and function (SIFT, PolyPhen-2, Align-GVGD) all suggest that this variant is likely to be tolerated. In summary, the available evidence is currently insufficient to determine the role of this variant in disease. Therefore, it has been classified as a Variant of Uncertain Significance.

Mendelics
Classification: Uncertain significance for Bloom syndrome. Last evaluated: 2018-07-02. Review status: criteria provided, single submitter. Criteria: Mendelics Assertion Criteria 2017. Collection method: clinical testing. Allele origin: unknown.